The following is an entry in ClinVar:

NM_005002.5(NDUFA9):c.655+5G>A

Gene: NDUFA9 (NADH:ubiquinone oxidoreductase subunit A9; plus strand). Cytogenetic location: 12p13.32.
Variant type: single nucleotide variant.
Coding change: c.655+5G>A on transcript NM_005002.5 (MANE Select); 5 bases into the intron after coding-DNA position 655, G replaced by A.
Molecular consequence: intron variant.
Genome position (GRCh38, 1-based): chr12:4,662,640, G>A. VCF-style: chr12-4662640-G-A. GRCh37 (hg19) VCF-style: chr12-4771806-G-A.
Identifiers: ClinVar variation 372847 (VCV000372847.2), dbSNP rs768333416, ClinGen allele CA6398166.

ClinVar aggregate classification (germline): Conflicting classifications of pathogenicity. Review status: criteria provided, conflicting classifications (1 of 4 stars). 2 submissions from 2 submitters: Likely pathogenic (1); Uncertain significance (1). Last evaluated 2020-05-21.

Conditions:
Mitochondrial complex I deficiency, nuclear type 26. Also called: Mitochondrial complex 1 deficiency, nuclear type 26. Identifiers: MedGen C4748809, MONDO:0032630, OMIM 618247.

Allele frequency attached by ClinVar (database versions not stated): gnomAD exomes 0.00001; ExAC 0.00002; gnomAD 0.00006 and 0.00007; TOPMed 0.00006.
gnomAD v4.1: 37 of 1,606,382 alleles (0.0023%); highest among the groups gnomAD compares: African/African-American, 0.012%; no homozygotes.

Submissions (2):

Baylor Genetics
Classification: Uncertain significance for Mitochondrial complex I deficiency, nuclear type 26. Last evaluated: 2020-05-21. Review status: criteria provided, single submitter. Criteria: ACMG Guidelines, 2015. Collection method: clinical testing. Allele origin: unknown. Affected: yes.
Comment: This variant was determined to be of uncertain significance according to ACMG Guidelines, 2015 [PMID:25741868].

GeneDx
Classification: Likely pathogenic. Last evaluated: 2016-01-07. Review status: criteria provided, single submitter. Criteria: GeneDx Variant Classification (06012015). Collection method: clinical testing. Allele origin: germline. Affected: yes.
Comment: The c.655+5G>A variant in the NDUFA9 gene has not been reported previously as a pathogenic variant nor as a benign variant, to our knowledge. This variant is predicted to destroy the natural splice acceptor site or reduce the quality of the splice donor site in intron 6, and is expected to cause abnormal gene splicing. The c.655+5G>A variant was not observed in approximately 6500 individuals of European and African American ancestry in the NHLBI Exome Sequencing Project, indicating it is not a common benign variant in these populations. The c.655+5G>A variant is a strong candidate for a pathogenic variant, however the possibility it may be a rare benign variant cannot be excluded.